The following is an entry in ClinVar:

ClinVar aggregate classification (germline): Uncertain significance (1 of 4 stars; one submission).

Allele frequency attached by ClinVar (database versions not stated): gnomAD 0.00001; gnomAD exomes 0.00001; TOPMed 0.00002; ExAC 0.00008.
gnomAD v4.1: 16 of 1,596,344 alleles (0.001%); highest among the groups gnomAD compares: East Asian, 0.034%; no homozygotes.

Submission:

Labcorp Genetics (formerly Invitae), Labcorp
Classification: Uncertain significance. Last evaluated: 2024-09-16. Review status: criteria provided, single submitter. Criteria: Invitae Variant Classification Sherloc (09022015). Collection method: clinical testing. Allele origin: germline.
Comment: This sequence change replaces valine, which is neutral and non-polar, with isoleucine, which is neutral and non-polar, at codon 1607 of the CUL7 protein (p.Val1607Ile). This variant is present in population databases (rs746094795, gnomAD 0.08%). This variant has not been reported in the literature in individuals affected with CUL7-related conditions. ClinVar contains an entry for this variant (Variation ID: 2152012). An algorithm developed to predict the effect of missense changes on protein structure and function outputs the following: PolyPhen-2: "Benign". The isoleucine amino acid residue is found in multiple mammalian species, which suggests that this missense change does not adversely affect protein function. In summary, the available evidence is currently insufficient to determine the role of this variant in disease. Therefore, it has been classified as a Variant of Uncertain Significance.

NM_014780.5(CUL7):c.4819G>A (p.Val1607Ile)

Gene: CUL7 (cullin 7; minus strand). Cytogenetic location: 6p21.1.
Variant type: single nucleotide variant.
Coding change: c.4819G>A on transcript NM_014780.5 (MANE Select); coding-DNA position 4819, G replaced by A.
Protein change: p.Val1607Ile; replaces valine 1607 with isoleucine.
Molecular consequence: missense variant.
Genome position (GRCh38, 1-based): chr6:43,037,966, C>T on the plus strand (G>A on the coding strand, the complement: CUL7 is on the minus strand). VCF-style: chr6-43037966-C-T. GRCh37 (hg19) VCF-style: chr6-43005704-C-T.
Other names: c.4915G>A, p.Val1639Ile (NM_001168370.2, NM_001374872.1); c.4831G>A, p.Val1611Ile (NM_001374873.1); c.4816G>A, p.Val1606Ile (NM_001374874.1); short protein forms V1606I, V1607I, V1611I, V1639I.
Identifiers: ClinVar variation 2152012 (VCV002152012.4), dbSNP rs746094795, ClinGen allele CA3813097.